The following is an entry in ClinVar:

ClinVar aggregate classification (germline): Uncertain significance. Review status: criteria provided, multiple submitters, no conflicts (2 of 4 stars). 2 submissions from 2 submitters: Uncertain significance (2). Last evaluated 2025-09-22.

Conditions:
Emery-Dreifuss muscular dystrophy 5, autosomal dominant (EDMD5). Also called: EMERY-DREIFUSS MUSCULAR DYSTROPHY 5. Identifiers: Orphanet 261, MedGen C2751805, MONDO:0013072, OMIM 612999.

Allele frequency attached by ClinVar (database versions not stated): gnomAD exomes below 0.00001; gnomAD 0.00002 and 0.00003; TOPMed 0.00002.
gnomAD v4.1: 6 of 1,613,698 alleles (0.00037%); highest among the groups gnomAD compares: Admixed American, 0.0067%; no homozygotes.

Submissions (2):

Labcorp Genetics (formerly Invitae), Labcorp
Classification: Uncertain significance for Emery-Dreifuss muscular dystrophy 5, autosomal dominant. Last evaluated: 2025-09-22. Review status: criteria provided, single submitter. Criteria: Invitae Variant Classification Sherloc (09022015). Collection method: clinical testing. Allele origin: germline.
Comment: This sequence change replaces histidine, which is basic and polar, with leucine, which is neutral and non-polar, at codon 1672 of the SYNE2 protein (p.His1672Leu). This variant is not present in population databases (gnomAD no frequency). This variant has not been reported in the literature in individuals affected with SYNE2-related conditions. ClinVar contains an entry for this variant (Variation ID: 1477141). An algorithm developed to predict the effect of missense changes on protein structure and function (PolyPhen-2) suggests that this variant is likely to be tolerated. In summary, the available evidence is currently insufficient to determine the role of this variant in disease. Therefore, it has been classified as a Variant of Uncertain Significance.

Ambry Genetics
Classification: Uncertain significance. Last evaluated: 2025-05-19. Review status: criteria provided, single submitter. Criteria: Ambry Variant Classification Scheme 2023. Collection method: clinical testing. Allele origin: germline.

NM_182914.3(SYNE2):c.5015A>T (p.His1672Leu)

Gene: SYNE2 (spectrin repeat containing nuclear envelope protein 2; plus strand). Cytogenetic location: 14q23.2.
Variant type: single nucleotide variant.
Coding change: c.5015A>T on transcript NM_182914.3 (MANE Select); coding-DNA position 5015, A replaced by T.
Protein change: p.His1672Leu; replaces histidine 1672 with leucine.
Molecular consequence: missense variant.
Genome position (GRCh38, 1-based): chr14:64,017,722, A>T. VCF-style: chr14-64017722-A-T. GRCh37 (hg19) VCF-style: chr14-64484440-A-T.
Other names: c.5015A>T, p.His1672Leu (NM_015180.6); c.5015A>T (NM_182914.2); short protein forms H1672L.
Identifiers: ClinVar variation 1477141 (VCV001477141.7), dbSNP rs927045912, ClinGen allele CA261806898.
Genomic context (GRCh38, chr14:64,017,722, plus strand): 5'-TTAACTTAAAAAATGTCATTGATGAGTGGACAGAAAAGGCCCTTCAAAAAATGGAATTAC[A>T]TCAATTGACTGAAGAGGACAGAGAAAGGCTGAAGGTAATTTAACAGATAAAATACATGCT-3'
Protein context (NP_878918.2, residues 1662-1682): TEKALQKMEL[His1672Leu]QLTEEDRERL